The following is an entry in ClinVar:

ClinVar aggregate classification (germline): Pathogenic/Likely pathogenic. Review status: criteria provided, multiple submitters, no conflicts (2 of 4 stars). 7 submissions from 7 submitters: Pathogenic (3); Likely pathogenic (1). 3 of the submissions do not count toward it. Last evaluated 2026-01-13.

Conditions:
Beta-D-mannosidosis (MANSB). Also called: BETA-MANNOSIDASE DEFICIENCY; LYSOSOMAL BETA-MANNOSIDASE DEFICIENCY; MANNOSIDOSIS, BETA A, LYSOSOMAL; Beta-Mannosidosis. Identifiers: Orphanet 118, MedGen C4048196, MONDO:0009562, OMIM 248510.

Allele frequency attached by ClinVar (database versions not stated): gnomAD 0.00001; gnomAD exomes 0.00001; TOPMed 0.00001.
gnomAD v4.1: 16 of 1,525,096 alleles (0.001%); highest among the groups gnomAD compares: East Asian, 0.011%; no homozygotes.

Submissions (7):

Labcorp Genetics (formerly Invitae), Labcorp
Classification: Pathogenic for Beta-D-mannosidosis. Last evaluated: 2026-01-13. Review status: criteria provided, single submitter. Criteria: Invitae Variant Classification Sherloc (09022015). Collection method: clinical testing. Allele origin: germline.
Comment: This sequence change affects a donor splice site in intron 7 of the MANBA gene. RNA analysis indicates that disruption of this splice site induces altered splicing and may result in an absent or altered protein product. This variant is present in population databases (no rsID available, gnomAD 0.006%). Disruption of this splice site has been observed in individual(s) with mannosidosis (PMID: 12890191). ClinVar contains an entry for this variant (Variation ID: 1676). Studies have shown that disruption of this splice site results in insertion of four bases between exon 7 and 8 , and produces a non-functional protein and/or introduces a premature termination codon (PMID: 12890191). For these reasons, this variant has been classified as Pathogenic.

GeneDx
Classification: Pathogenic. Last evaluated: 2023-06-05. Review status: criteria provided, single submitter. Criteria: GeneDx Variant Classification Process June 2021. Collection method: clinical testing. Allele origin: germline. Affected: yes.
Comment: Canonical splice site variant demonstrated to result in a null allele in a gene for which loss-of-function is a known mechanism of disease (Uchino et al., 2003); Not observed at significant frequency in large population cohorts (gnomAD); This variant is associated with the following publications: (PMID: 12890191, 22369051, 25525159, 27535533)

Women's Health and Genetics/Laboratory Corporation of America, LabCorp
Classification: Pathogenic for Beta-D-mannosidosis. Last evaluated: 2022-05-19. Review status: criteria provided, single submitter. Criteria: LabCorp Variant Classification Summary - May 2015. Collection method: clinical testing. Allele origin: germline.
Comment: Variant summary: MANBA c.960+1G>A is located in a canonical splice-site and is predicted to affect mRNA splicing resulting in a significantly altered protein due to either exon skipping, shortening, or inclusion of intronic material. Several computational tools predict a significant impact on normal splicing: Four predict the variant abolishes a 5' splicing donor site. cDNA sequencing shows mis-splicing results in a four-base (ATAA) insertion between exons 7 and 8, which replaces the C-terminal sequence of the protein with an aberrant and truncated peptide of four residues (Uchino_2003). The variant allele was found at a frequency of 1.2e-05 in 248618 control chromosomes. c.960+1G>A has been reported in the literature in one homozygous individual affected with Beta-Mannosidosis (Uchino_2003). The activity of b-mannosidase in plasma from the affected homozygous individual was very low, at about 2% of the value in healthy controls, suggesting the variant impacts protein function (Uchino_2003). No clinical diagnostic laboratories have submitted clinical-significance assessments for this variant to ClinVar after 2014. Based on the evidence outlined above, the variant was classified as pathogenic.

Fulgent Genetics
Classification: Likely pathogenic for Beta-D-mannosidosis. Last evaluated: 2022-04-26. Review status: criteria provided, single submitter. Criteria: ACMG Guidelines, 2015. Collection method: clinical testing. Allele origin: unknown.

OMIM
Classification: Pathogenic for BETA-MANNOSIDOSIS. Last evaluated: 2003-07-01. Review status: no assertion criteria provided. Collection method: literature only. Allele origin: germline. Not counted in ClinVar's aggregate classification.

Clinical Genetics DNA and cytogenetics Diagnostics Lab, Erasmus MC, Erasmus Medical Center
Classification: Pathogenic. Review status: no assertion criteria provided. Collection method: clinical testing. Allele origin: germline. Affected: yes. Study: VKGL Data-share Consensus. Not counted in ClinVar's aggregate classification.

Laboratory of Diagnostic Genome Analysis, Leiden University Medical Center (LUMC)
Classification: Pathogenic. Review status: no assertion criteria provided. Collection method: clinical testing. Allele origin: germline. Affected: yes. Study: VKGL Data-share Consensus. Not counted in ClinVar's aggregate classification.

Literature cited by the submitters: PubMed 12890191 (cited by 3 submitters).

NM_005908.4(MANBA):c.960+1G>A

Gene: MANBA (mannosidase beta; minus strand). Cytogenetic location: 4q24.
Variant type: single nucleotide variant.
Coding change: c.960+1G>A on transcript NM_005908.4 (MANE Select); the canonical splice donor site of the intron after coding-DNA position 960, G replaced by A.
Molecular consequence: splice donor variant.
Genome position (GRCh38, 1-based): chr4:102,689,573, C>T on the plus strand (G>A on the coding strand, the complement: MANBA is on the minus strand). VCF-style: chr4-102689573-C-T. GRCh37 (hg19) VCF-style: chr4-103610730-C-T.
Other names: IVS7, A-G, +1.
Identifiers: ClinVar variation 1676 (VCV000001676.10), dbSNP rs890870104, ClinGen allele CA102706045.